The following is an entry in ClinVar:

ClinVar aggregate classification (germline): Uncertain significance (1 of 4 stars; one submission).

Submission:

GeneDx
Classification: Uncertain significance. Last evaluated: 2024-02-01. Review status: criteria provided, single submitter. Criteria: GeneDx Variant Classification Process June 2021. Collection method: clinical testing. Allele origin: germline. Affected: yes.
Comment: Not observed at significant frequency in large population cohorts (gnomAD); In silico analysis supports that this missense variant does not alter protein structure/function; Has not been previously published as pathogenic or benign to our knowledge

NM_001105247.2(ARMC5):c.2408T>G (p.Val803Gly)

Gene: ARMC5 (armadillo repeat containing 5; plus strand). Cytogenetic location: 16p11.2.
Variant type: single nucleotide variant.
Coding change: c.2408T>G on transcript NM_001105247.2 (MANE Select); coding-DNA position 2408, T replaced by G.
Protein change: p.Val803Gly; replaces valine 803 with glycine.
Molecular consequence: missense variant. On other transcripts: 3 prime UTR variant (1).
Genome position (GRCh38, 1-based): chr16:31,466,489, T>G. VCF-style: chr16-31466489-T-G. GRCh37 (hg19) VCF-style: chr16-31477810-T-G.
Other names: c.2693T>G, p.Val898Gly (NM_001288767.2); c.2504T>G, p.Val835Gly (NM_001301820.1); c.*1288T>G (NM_024742.2); short protein forms V803G, V835G, V898G.
Identifiers: ClinVar variation 3368670 (VCV003368670.1).
Genomic context (GRCh38, chr16:31,466,489, plus strand): 5'-CAGAAGCCCAGATGGACCTGGTGCCCCTGCGAGGTCTGTCGCCTGGTGCAGCCTGGCCTG[T>G]CCTGCATCATTTGCATGGTTGTCGGGGGTGTGGGGCTGCCCTGGGGCCCGTGCCCCCACC-3'
Protein context (NP_001098717.1, residues 793-813): RGLSPGAAWP[Val803Gly]LHHLHGCRGC